The following is an entry in ClinVar:

ClinVar aggregate classification (germline): Benign/Likely benign. Review status: criteria provided, multiple submitters, no conflicts (2 of 4 stars). 13 submissions from 13 submitters: Benign (5); Likely benign (5). 3 of the submissions do not count toward it. Last evaluated 2026-09-01.

Conditions:
Autosomal recessive limb-girdle muscular dystrophy type 2A (LGMDR1). Also called: LEYDEN-MOEBIUS MUSCULAR DYSTROPHY; MUSCULAR DYSTROPHY, PELVOFEMORAL; Calpainopathy; Muscular dystrophy, limb-girdle, type 2A, Amish; Limb-girdle muscular dystrophy, type 2A. Identifiers: Orphanet 267, MedGen C1869123, MONDO:0009675, OMIM 253600. Disease mechanism: loss of function.

Allele frequency attached by ClinVar (database versions not stated): 1000 Genomes Project 0.00260; 1000 Genomes Project 30x 0.00265; gnomAD exomes 0.00470 and 0.00582; ExAC 0.00477; gnomAD 0.00486 and 0.00495; TOPMed 0.00533; ESP Exome Variant Server 0.00631.

Submissions (22):

CeGaT Center for Human Genetics Tuebingen
Classification: Likely benign. Last evaluated: 2026-09-01. Review status: criteria provided, single submitter. Criteria: CeGaT Center For Human Genetics Tuebingen Variant Classification Criteria Version 2. Collection method: clinical testing. Allele origin: germline. Affected: yes. Observed: 20 variant alleles.
Comment: CAPN3: BP4, BP7, BS2

Labcorp Genetics (formerly Invitae), Labcorp
Classification: Benign for Autosomal recessive limb-girdle muscular dystrophy type 2A. Last evaluated: 2026-02-04. Review status: criteria provided, single submitter. Criteria: Invitae Variant Classification Sherloc (09022015). Collection method: clinical testing. Allele origin: germline.

Blueprint Genetics
Classification: Likely benign. Last evaluated: 2024-11-27. Review status: criteria provided, single submitter. Criteria: ACMG Guidelines, 2015. Collection method: clinical testing. Allele origin: germline.

Athena Diagnostics
Classification: Benign. Last evaluated: 2023-10-18. Review status: criteria provided, single submitter. Criteria: Athena Diagnostics Criteria. Collection method: clinical testing. Allele origin: unknown.

GeneDx
Classification: Likely benign. Last evaluated: 2020-11-12. Review status: criteria provided, single submitter. Criteria: GeneDx Variant Classification Process June 2021. Collection method: clinical testing. Allele origin: germline. Affected: yes.
Comment: This variant is associated with the following publications: (PMID: 10330340, 16141003)

Illumina Laboratory Services, Illumina
Classification: Likely benign for Limb-girdle muscular dystrophy, type 2A. Last evaluated: 2017-04-27. Review status: criteria provided, single submitter. Criteria: ICSL Variant Classification Criteria 13 December 2019. Collection method: clinical testing. Allele origin: germline.
Comment: This variant was observed as part of a predisposition screen in an ostensibly healthy population. A literature search was performed for the gene, cDNA change, and amino acid change (where applicable). No publications were found based on this search. Allele frequency data from public databases allowed determination this variant is unlikely to cause disease. Therefore, this variant is classified as likely benign.

Laboratory for Molecular Medicine, Mass General Brigham Personalized Medicine
Classification: Benign. Last evaluated: 2015-01-13. Review status: criteria provided, single submitter. Criteria: LMM Criteria. Collection method: clinical testing. Allele origin: germline. Observed: 1 variant allele.
Comment: p.Cys106Cys in exon 2 of CAPN3: This variant is not expected to have clinical si gnificance because it does not alter an amino acid residue and is not located wi thin the splice consensus sequence. It has been identified in 0.9% (78/8598) of European American chromosomes from a broad population by the NHLBI Exome Sequenc ing Project (dbSNP rs117609395).

Eurofins Ntd Llc (ga)
Classification: Benign. Last evaluated: 2014-03-21. Review status: criteria provided, single submitter. Criteria: EGL Classification Definitions 2015. Collection method: clinical testing. Allele origin: germline. Observed: 3 variant alleles, 3 heterozygotes.

Breakthrough Genomics
Classification: Likely benign. Review status: criteria provided, single submitter. Criteria: ACMG Guidelines, 2015. Collection method: not provided. Allele origin: germline. Inheritance: Autosomal recessive inheritance. Affected: yes.

PreventionGenetics, part of Exact Sciences
Classification: Benign. Review status: criteria provided, single submitter. Criteria: ACMG Guidelines, 2015. Collection method: clinical testing. Allele origin: germline.

Natera, Inc.
Classification: Likely benign for Limb-girdle muscular dystrophy type 2A. Last evaluated: 2019-12-03. Review status: no assertion criteria provided. Collection method: clinical testing. Allele origin: germline. Not counted in ClinVar's aggregate classification.

Clinical Genetics, Academic Medical Center
Classification: Likely benign. Review status: no assertion criteria provided. Collection method: clinical testing. Allele origin: germline. Affected: yes. Study: VKGL Data-share Consensus. Not counted in ClinVar's aggregate classification.

Dr. Peter K. Rogan Lab, Western University
No classification provided (evidence only). Condition: Clear cell carcinoma of kidney. Review status: no classification provided. Collection method: in vitro. Allele origin: not applicable. Functional consequence: retained intron. Not counted in ClinVar's aggregate classification.

Dr. Peter K. Rogan Lab, Western University
No classification provided (evidence only). Condition: Clear cell carcinoma of kidney. Review status: no classification provided. Collection method: in vitro. Allele origin: not applicable. Functional consequence: retained intron. Not counted in ClinVar's aggregate classification.

Dr. Peter K. Rogan Lab, Western University
No classification provided (evidence only). Condition: Clear cell carcinoma of kidney. Review status: no classification provided. Collection method: in vitro. Allele origin: not applicable. Functional consequence: retained intron. Not counted in ClinVar's aggregate classification.

Dr. Peter K. Rogan Lab, Western University
No classification provided (evidence only). Condition: Clear cell carcinoma of kidney. Review status: no classification provided. Collection method: in vitro. Allele origin: not applicable. Functional consequence: retained intron. Not counted in ClinVar's aggregate classification.

Dr. Peter K. Rogan Lab, Western University
No classification provided (evidence only). Condition: Melanoma. Review status: no classification provided. Collection method: in vitro. Allele origin: not applicable. Functional consequence: retained intron. Not counted in ClinVar's aggregate classification.

Dr. Peter K. Rogan Lab, Western University
No classification provided (evidence only). Condition: Cervical cancer. Review status: no classification provided. Collection method: in vitro. Allele origin: not applicable. Functional consequence: retained intron. Not counted in ClinVar's aggregate classification.

Dr. Peter K. Rogan Lab, Western University
No classification provided (evidence only). Condition: Ovarian serous cystadenocarcinoma. Review status: no classification provided. Collection method: in vitro. Allele origin: not applicable. Functional consequence: retained intron. Not counted in ClinVar's aggregate classification.

Dr. Peter K. Rogan Lab, Western University
No classification provided (evidence only). Condition: Gastric cancer. Review status: no classification provided. Collection method: in vitro. Allele origin: not applicable. Functional consequence: retained intron. Not counted in ClinVar's aggregate classification.

Dr. Peter K. Rogan Lab, Western University
No classification provided (evidence only). Condition: Malignant tumor of esophagus. Review status: no classification provided. Collection method: in vitro. Allele origin: not applicable. Functional consequence: retained intron. Not counted in ClinVar's aggregate classification.

Laboratory of Diagnostic Genome Analysis, Leiden University Medical Center (LUMC)
Classification: Benign. Review status: no assertion criteria provided. Collection method: clinical testing. Allele origin: germline. Affected: yes. Study: VKGL Data-share Consensus. Not counted in ClinVar's aggregate classification.

Literature cited by the submitters: PubMed 16141003 (cited by Athena Diagnostics); PubMed 10330340 (cited by Athena Diagnostics).

NM_000070.3(CAPN3):c.318C>T (p.Cys106=)

Gene: CAPN3 (calpain 3; plus strand). Cytogenetic location: 15q15.1.
Variant type: single nucleotide variant.
Coding change: c.318C>T on transcript NM_000070.3 (MANE Select); coding-DNA position 318, C replaced by T.
Protein change: p.Cys106=; no amino-acid change (cysteine 106 retained).
Molecular consequence: synonymous variant.
Genome position (GRCh38, 1-based): chr15:42,384,491, C>T. VCF-style: chr15-42384491-C-T. GRCh37 (hg19) VCF-style: chr15-42676689-C-T.
Other names: c.318C>T, p.Cys106= (NM_024344.2, NM_173087.2).
Identifiers: ClinVar variation 92416 (VCV000092416.65), dbSNP rs117609395, ClinGen allele CA145720.
Genomic context (GRCh38, chr15:42,384,491, plus strand): 5'-ATCTGTCTATCTACTGTTATTCTTACCTGGTCATTTCCTTTTTGTTTCACAGGAAATTTG[C>T]GAGAATCCCCGATTTATCATTGATGGAGCCAACAGAACTGACATCTGTCAAGGAGAGCTA-3'
Protein context (NP_000061.1, residues 96-116): QFVWKRPPEI[Cys106=]ENPRFIIDGA